The following is an entry in ClinVar:

NM_001376.5(DYNC1H1):c.3220G>A (p.Glu1074Lys)

Gene: DYNC1H1 (dynein cytoplasmic 1 heavy chain 1; plus strand). Cytogenetic location: 14q32.31.
Variant type: single nucleotide variant.
Coding change: c.3220G>A on transcript NM_001376.5 (MANE Select); coding-DNA position 3220, G replaced by A.
Protein change: p.Glu1074Lys; replaces glutamic acid 1074 with lysine.
Molecular consequence: missense variant.
Genome position (GRCh38, 1-based): chr14:101,994,736, G>A. VCF-style: chr14-101994736-G-A. GRCh37 (hg19) VCF-style: chr14-102461073-G-A.
Other names: short protein forms E1074K.
Identifiers: ClinVar variation 4072721 (VCV004072721.1).

ClinVar aggregate classification (germline): Uncertain significance (1 of 4 stars; one submission).

gnomAD v4.1: 1 of 1,614,226 alleles (0.000062%); highest among the groups gnomAD compares: Non-Finnish European, 0.000085%; no homozygotes.

Submission:

GeneDx
Classification: Uncertain significance. Last evaluated: 2025-01-30. Review status: criteria provided, single submitter. Criteria: GeneDx Variant Classification Process June 2021. Collection method: clinical testing. Allele origin: germline. Affected: yes.
Comment: In silico analysis supports that this missense variant has a deleterious effect on protein structure/function; Has not been previously published as pathogenic or benign to our knowledge; This variant is associated with the following publications: (PMID: 26100331, 25512093, 25609763)